The following is an entry in ClinVar:

NM_001377265.1(MAPT):c.1607G>A (p.Gly536Glu)

Gene: MAPT (microtubule associated protein tau). Cytogenetic location: 17q21.31.
Variant type: single nucleotide variant.
Coding change: c.1607G>A on transcript NM_001377265.1 (MANE Select); coding-DNA position 1607, G replaced by A.
Protein change: p.Gly536Glu; replaces glycine 536 with glutamic acid.
Molecular consequence: missense variant. On other transcripts: non-coding transcript variant (1).
Genome position (GRCh38, 1-based): chr17:45,991,461, G>A. VCF-style: chr17-45991461-G-A. GRCh37 (hg19) VCF-style: chr17-44068827-G-A.
Other names: c.1382G>A, p.Gly461Glu (NM_001123066.4, NM_016835.5); c.344G>A, p.Gly115Glu (NM_001123067.4, NM_001203251.2, NM_001377267.1); c.431G>A, p.Gly144Glu (NM_001203252.2, NM_005910.6); c.1409G>A, p.Gly470Glu (NM_001377266.1); c.257G>A, p.Gly86Glu (NM_001377268.1, NM_016834.5, NM_016841.5); short protein forms G115E, G144E, G470E, G461E, G86E, G536E.
Identifiers: ClinVar variation 1042712 (VCV001042712.9), dbSNP rs116231676, ClinGen allele CA8617957.
Genomic context (GRCh38, chr17:45,991,461, plus strand): 5'-CTTGGTGGCAGTAACTTTTCCCAATGGTGAAAAACCCCTCTATCATGTTTCATTTACAGG[G>A]GGCTGATGGTAAAACGAAGATCGCCACACCGCGGGGAGCAGCCCCTCCAGGCCAGAAGGG-3'
Protein context (NP_001364194.1, residues 526-546): SSGAKEMKLK[Gly536Glu]ADGKTKIATP

ClinVar aggregate classification (germline): Uncertain significance (1 of 4 stars; one submission).

Conditions:
Frontotemporal dementia (FTD1). Also called: FRONTOTEMPORAL LOBAR DEGENERATION WITH TAU INCLUSIONS; FTLD WITH TAU INCLUSIONS; Dementia, frontotemporal, with or without parkinsonism; Frontotemporal Dementia with Parkinsonism-17 (FTDP-17); FRONTOTEMPORAL DEMENTIA WITH PARKINSONISM; FRONTOTEMPORAL LOBE DEMENTIA. Identifiers: Orphanet 282, MedGen C0338451, MONDO:0017276, OMIM 600274, HP:0002145.

Allele frequency attached by ClinVar (database versions not stated): gnomAD 0.00001; TOPMed 0.00004; ExAC 0.00006; gnomAD exomes 0.00008.
gnomAD v4.1: 27 of 1,614,078 alleles (0.0017%); highest among the groups gnomAD compares: East Asian, 0.049%; no homozygotes.

Submission:

Labcorp Genetics (formerly Invitae), Labcorp
Classification: Uncertain significance for Frontotemporal dementia. Last evaluated: 2024-01-29. Review status: criteria provided, single submitter. Criteria: Invitae Variant Classification Sherloc (09022015). Collection method: clinical testing. Allele origin: germline.
Comment: This sequence change replaces glycine, which is neutral and non-polar, with glutamic acid, which is acidic and polar, at codon 144 of the MAPT protein (p.Gly144Glu). This variant is present in population databases (rs116231676, gnomAD 0.1%), and has an allele count higher than expected for a pathogenic variant. This variant has not been reported in the literature in individuals affected with MAPT-related conditions. ClinVar contains an entry for this variant (Variation ID: 1042712). An algorithm developed to predict the effect of missense changes on protein structure and function (PolyPhen-2) suggests that this variant is likely to be disruptive. In summary, the available evidence is currently insufficient to determine the role of this variant in disease. Therefore, it has been classified as a Variant of Uncertain Significance.